The following is an entry in ClinVar:

NM_003839.4(TNFRSF11A):c.162G>T (p.Lys54Asn)

Gene: TNFRSF11A (TNF receptor superfamily member 11a; plus strand). Cytogenetic location: 18q21.33.
Variant type: single nucleotide variant.
Coding change: c.162G>T on transcript NM_003839.4 (MANE Select); coding-DNA position 162, G replaced by T.
Protein change: p.Lys54Asn; replaces lysine 54 with asparagine.
Molecular consequence: missense variant.
Genome position (GRCh38, 1-based): chr18:62,349,816, G>T. VCF-style: chr18-62349816-G-T. GRCh37 (hg19) VCF-style: chr18-60017049-G-T.
Other names: c.162G>T, p.Lys54Asn (NM_001270949.2, NM_001270950.2, NM_001270951.2 and 1 more transcripts); c.162G>T (NM_003839.2); short protein forms K54N.
Identifiers: ClinVar variation 1408133 (VCV001408133.8), dbSNP rs758952741, ClinGen allele CA8983671.

ClinVar aggregate classification (germline): Uncertain significance. Review status: criteria provided, multiple submitters, no conflicts (2 of 4 stars). 3 submissions from 3 submitters: Uncertain significance (3). Last evaluated 2025-11-25.

Conditions:
Inborn genetic diseases. Identifiers: MedGen C0950123, MeSH D030342.

Allele frequency attached by ClinVar (database versions not stated): ExAC 0.00001; gnomAD 0.00002 and 0.00003; TOPMed 0.00003.
gnomAD v4.1: 24 of 1,613,832 alleles (0.0015%); highest among the groups gnomAD compares: Non-Finnish European, 0.0017%; no homozygotes.

Submissions (3):

Labcorp Genetics (formerly Invitae), Labcorp
Classification: Uncertain significance. Last evaluated: 2025-11-25. Review status: criteria provided, single submitter. Criteria: Invitae Variant Classification Sherloc (09022015). Collection method: clinical testing. Allele origin: germline.
Comment: This sequence change replaces lysine, which is basic and polar, with asparagine, which is neutral and polar, at codon 54 of the TNFRSF11A protein (p.Lys54Asn). This variant is present in population databases (rs758952741, gnomAD 0.003%). This missense change has been observed in individual(s) with clinical features of TNFRSF11A-related conditions (PMID: 33165748). ClinVar contains an entry for this variant (Variation ID: 1408133). Invitae Evidence Modeling of protein sequence and biophysical properties (such as structural, functional, and spatial information, amino acid conservation, physicochemical variation, residue mobility, and thermodynamic stability) indicates that this missense variant is not expected to disrupt TNFRSF11A protein function with a negative predictive value of 80%. In summary, the available evidence is currently insufficient to determine the role of this variant in disease. Therefore, it has been classified as a Variant of Uncertain Significance.

Ambry Genetics
Classification: Uncertain significance for Inborn genetic diseases. Last evaluated: 2023-03-29. Review status: criteria provided, single submitter. Criteria: Ambry Variant Classification Scheme 2023. Collection method: clinical testing. Allele origin: germline.

Breakthrough Genomics
Classification: Uncertain significance. Review status: criteria provided, single submitter. Criteria: ACMG Guidelines, 2015. Collection method: not provided. Allele origin: germline. Inheritance: Autosomal recessive inheritance. Affected: yes.

Literature cited by the submitters: PubMed 33165748 (cited by Labcorp Genetics (formerly Invitae), Labcorp).